The following is an entry in ClinVar:

ClinVar aggregate classification (germline): Uncertain significance (1 of 4 stars; one submission).

Conditions:
Immunodeficiency 39 (IMD39). Identifiers: Orphanet 574918, MedGen C4225358, MONDO:0014597, OMIM 616345.

Submission:

Labcorp Genetics (formerly Invitae), Labcorp
Classification: Uncertain significance for Immunodeficiency 39. Last evaluated: 2025-11-13. Review status: criteria provided, single submitter. Criteria: Invitae Variant Classification Sherloc (09022015). Collection method: clinical testing. Allele origin: germline.
Comment: This variant, c.686_688del, results in the deletion of 1 amino acid(s) of the IRF7 protein (p.Glu229del), but otherwise preserves the integrity of the reading frame. This variant is present in population databases (rs781611280, gnomAD 0.007%). This variant has not been reported in the literature in individuals affected with IRF7-related conditions. Experimental studies and prediction algorithms are not available or were not evaluated, and the functional significance of this variant is currently unknown. In summary, the available evidence is currently insufficient to determine the role of this variant in disease. Therefore, it has been classified as a Variant of Uncertain Significance.

NM_001572.5(IRF7):c.644AAG[1] (p.Glu216del)

Gene: IRF7 (interferon regulatory factor 7; minus strand). Cytogenetic location: 11p15.5.
Variant type: Microsatellite.
Coding change: c.644AAG[1] on transcript NM_001572.5 (MANE Select); one copy of the 3-base unit AAG starting at c.644; the reference has two copies in a row; one copy, 3 bases deleted.
Protein change: p.Glu216del; deletes glutamic acid 216.
Molecular consequence: inframe deletion.
Genome position (GRCh38, 1-based): chr11:614,204-614,206, CTT deleted on the plus strand (AAG on the coding strand, the reverse complement: IRF7 is on the minus strand); deleting any 3 consecutive bases within chr11:614,204-614,209 gives the same sequence; the position shown is the placement nearest the transcript's 3' end. VCF-style (leftmost placement, unchanged base first): chr11-614203-CCTT-C. GRCh37 (hg19) VCF-style: chr11-614203-CCTT-C.
Other names: c.644AAG[1], p.Glu216del (NM_004029.4); c.683AAG[1], p.Glu229del (NM_004031.4); short protein forms E229del, E216del.
Identifiers: ClinVar variation 2074475 (VCV002074475.4), dbSNP rs781611280, ClinGen allele CA5783878.